The following is an entry in ClinVar:

NM_002691.4(POLD1):c.888C>A (p.Val296=)

Gene: POLD1 (DNA polymerase delta 1, catalytic subunit; plus strand). Cytogenetic location: 19q13.33.
Variant type: single nucleotide variant.
Coding change: c.888C>A on transcript NM_002691.4 (MANE Select); coding-DNA position 888, C replaced by A.
Protein change: p.Val296=; no amino-acid change (valine 296 retained).
Molecular consequence: synonymous variant. On other transcripts: non-coding transcript variant (1).
Genome position (GRCh38, 1-based): chr19:50,402,659, C>A. VCF-style: chr19-50402659-C-A. GRCh37 (hg19) VCF-style: chr19-50905916-C-A.
Other names: c.888C>A, p.Val296= (NM_001256849.1, NM_001308632.1).
Identifiers: ClinVar variation 2846039 (VCV002846039.3), dbSNP rs2038700262, ClinGen allele CA508181914.

ClinVar aggregate classification (germline): Uncertain significance (1 of 4 stars; one submission).

Conditions:
POLD1-related polyposis and colorectal cancer syndrome (CRCS10). Also called: Colorectal cancer 10; COLORECTAL CANCER, SUSCEPTIBILITY TO, ON CHROMOSOME 19q; Colorectal cancer, susceptibility to, 10. Identifiers: Orphanet 220460, MedGen C2675481, MONDO:0012953, OMIM 612591.

Submission:

Labcorp Genetics (formerly Invitae), Labcorp
Classification: Uncertain significance for POLD1-related polyposis and colorectal cancer syndrome. Last evaluated: 2023-03-15. Review status: criteria provided, single submitter. Criteria: Invitae Variant Classification Sherloc (09022015). Collection method: clinical testing. Allele origin: germline.
Comment: This sequence change affects codon 296 of the POLD1 mRNA. It is a 'silent' change, meaning that it does not change the encoded amino acid sequence of the POLD1 protein. This variant is not present in population databases (gnomAD no frequency). This variant has not been reported in the literature in individuals affected with POLD1-related conditions. Algorithms developed to predict the effect of sequence changes on RNA splicing suggest that this variant may disrupt the consensus splice site. In summary, the available evidence is currently insufficient to determine the role of this variant in disease. Therefore, it has been classified as a Variant of Uncertain Significance.